The following is an entry in ClinVar:

NM_198535.3(ZNF699):c.339del (p.Cys113fs)

Gene: ZNF699 (zinc finger protein 699; minus strand). Cytogenetic location: 19p13.2.
Variant type: Deletion.
Coding change: c.339del on transcript NM_198535.3 (MANE Select); coding-DNA position 339, one base deleted (T; older notation c.339delT).
Protein change: p.Cys113fs; shifts the reading frame from cysteine 113.
Molecular consequence: frameshift variant.
Genome position (GRCh38, 1-based): chr19:9,297,427, A deleted on the plus strand (T on the coding strand, the reverse complement: ZNF699 is on the minus strand). VCF-style (leftmost placement, unchanged base first): chr19-9297426-CA-C. GRCh37 (hg19) VCF-style: chr19-9408102-CA-C.
Other names: p.(Cys113TrpfsTer11); short protein forms C113fs.
Identifiers: ClinVar variation 2921275 (VCV002921275.1).

ClinVar aggregate classification (germline): Pathogenic (1 of 4 stars; one submission).

Conditions:
DEGCAGS syndrome. Also called: DEVELOPMENTAL DELAY WITH GASTROINTESTINAL, CARDIOVASCULAR, GENITOURINARY, AND SKELETAL ABNORMALITIES. Identifiers: MedGen C5561967, MONDO:0859181, OMIM 619488.

Submission:

Center for Medical Genetics and Molecular Medicine, Haukeland University Hospital
Classification: Pathogenic for DEGCAGS syndrome. Last evaluated: 2024-02-01. Review status: criteria provided, single submitter. Criteria: ACMG Guidelines, 2015. Collection method: clinical testing. Allele origin: germline. Inheritance: Autosomal recessive inheritance. Affected: yes.
Comment: ACMG subscores: PVS1, PM3, PM2_sup